The following is an entry in ClinVar:

ClinVar aggregate classification (germline): Uncertain significance (1 of 4 stars; one submission).

Conditions:
Charcot-Marie-Tooth disease axonal type 2O. Also called: Charcot-Marie-Tooth disease, axonal, type 20; CHARCOT-MARIE-TOOTH NEUROPATHY, AXONAL, TYPE 2O; CHARCOT-MARIE-TOOTH DISEASE, AXONAL, AUTOSOMAL DOMINANT, TYPE 2O; Charcot-Marie-Tooth Neuropathy Type 2O. Identifiers: Orphanet 284232, MedGen C3280220, MONDO:0013644, OMIM 614228.

Submission:

Labcorp Genetics (formerly Invitae), Labcorp
Classification: Uncertain significance for Charcot-Marie-Tooth disease axonal type 2O. Last evaluated: 2023-03-27. Review status: criteria provided, single submitter. Criteria: Invitae Variant Classification Sherloc (09022015). Collection method: clinical testing. Allele origin: germline.
Comment: In summary, the available evidence is currently insufficient to determine the role of this variant in disease. Therefore, it has been classified as a Variant of Uncertain Significance. Advanced modeling of protein sequence and biophysical properties (such as structural, functional, and spatial information, amino acid conservation, physicochemical variation, residue mobility, and thermodynamic stability) has been performed at Invitae for this missense variant, however the output from this modeling did not meet the statistical confidence thresholds required to predict the impact of this variant on DYNC1H1 protein function. This variant has not been reported in the literature in individuals affected with DYNC1H1-related conditions. This variant is not present in population databases (gnomAD no frequency). This sequence change replaces aspartic acid, which is acidic and polar, with glutamic acid, which is acidic and polar, at codon 1075 of the DYNC1H1 protein (p.Asp1075Glu).

NM_001376.5(DYNC1H1):c.3225T>A (p.Asp1075Glu)

Gene: DYNC1H1 (dynein cytoplasmic 1 heavy chain 1; plus strand). Cytogenetic location: 14q32.31.
Variant type: single nucleotide variant.
Coding change: c.3225T>A on transcript NM_001376.5 (MANE Select); coding-DNA position 3225, T replaced by A.
Protein change: p.Asp1075Glu; replaces aspartic acid 1075 with glutamic acid.
Molecular consequence: missense variant.
Genome position (GRCh38, 1-based): chr14:101,994,741, T>A. VCF-style: chr14-101994741-T-A. GRCh37 (hg19) VCF-style: chr14-102461078-T-A.
Other names: short protein forms D1075E.
Identifiers: ClinVar variation 2791165 (VCV002791165.3), dbSNP rs2503714733, ClinGen allele CA391033015.
Genomic context (GRCh38, chr14:101,994,741, plus strand): 5'-TCAGTATCAGTGTTTATGGGATATGCAAGCTGAAAACATCTATAACAGACTTGGAGAAGA[T>A]CTCAACAAATGGCAGGCTCTCCTGGTCCAAATAAGGAAGGCCAGAGGAACCTTTGACAAT-3'
Protein context (NP_001367.2, residues 1065-1085): AENIYNRLGE[Asp1075Glu]LNKWQALLVQ